The following is an entry in ClinVar:

ClinVar aggregate classification (germline): Likely pathogenic (1 of 4 stars; one submission).

Conditions:
Propionic acidemia (PROP). Also called: GLYCINEMIA, KETOTIC; HYPERGLYCINEMIA WITH KETOACIDOSIS AND LEUKOPENIA; KETOTIC HYPERGLYCINEMIA. Identifiers: Orphanet 35, MedGen C0268579, MONDO:0011628, OMIM 606054, HP:0003571.

Submission:

Myriad Genetics, Inc.
Classification: Likely pathogenic for Propionic acidemia. Last evaluated: 2022-04-12. Review status: criteria provided, single submitter. Criteria: Myriad Women's Health Autosomal Recessive and X-Linked Classification Criteria (2021). Collection method: clinical testing. Allele origin: unknown.
Comment: NM_000282.3(PCCA):c.837delT(H279Qfs*43) is expected to be pathogenic in the context of PCCA-related propionic acidemia. This variant is predicted to lead to an abnormal or absent protein product due to the creation of a premature termination codon in PCCA, a gene where loss-of-function variants are known to be pathogenic. Please note: this variant was assessed in the context of healthy population screening.

NM_000282.4(PCCA):c.837del (p.His279fs)

Gene: PCCA (propionyl-CoA carboxylase subunit alpha; plus strand). Cytogenetic location: 13q32.3.
Variant type: Deletion.
Coding change: c.837del on transcript NM_000282.4 (MANE Select); coding-DNA position 837, one base deleted (T; older notation c.837delT).
Protein change: p.His279fs; shifts the reading frame from histidine 279.
Molecular consequence: frameshift variant. On other transcripts: 5 prime UTR variant (3), non-coding transcript variant (5).
Genome position (GRCh38, 1-based): chr13:100,268,706, T deleted. VCF-style (leftmost placement, unchanged base first): chr13-100268705-AT-A. GRCh37 (hg19) VCF-style: chr13-100920959-AT-A.
Other names: c.759del, p.His253fs (NM_001127692.3, NM_001352607.2, NM_001352608.2); c.837del, p.His279fs (NM_001178004.2, NM_001352605.2, NM_001352606.2 and 1 more transcripts); c.-109del (NM_001352610.2, NM_001352611.2, NM_001352612.2); short protein forms H253fs, H279fs.
Identifiers: ClinVar variation 1725903 (VCV001725903.2), dbSNP rs2547957512, ClinGen allele CA2580086962.